The following is an entry in ClinVar:

ClinVar aggregate classification (germline): Uncertain significance (1 of 4 stars; one submission).

Conditions:
Leber congenital amaurosis 3 (LCA3). Also called: SPATA7-Related Retinitis Pigmentosa. Identifiers: MedGen C1858677, MONDO:0011415, OMIM 604232.

Allele frequency attached by ClinVar (database versions not stated): gnomAD exomes below 0.00001; ExAC 0.00001; gnomAD 0.00001.
gnomAD v4.1: 5 of 1,613,952 alleles (0.00031%); highest among the groups gnomAD compares: Middle Eastern, 0.016%; no homozygotes.

Submission:

Labcorp Genetics (formerly Invitae), Labcorp
Classification: Uncertain significance for Leber congenital amaurosis 3. Last evaluated: 2022-05-25. Review status: criteria provided, single submitter. Criteria: Invitae Variant Classification Sherloc (09022015). Collection method: clinical testing. Allele origin: germline.
Comment: This variant has not been reported in the literature in individuals affected with SPATA7-related conditions. This variant is present in population databases (rs754734927, gnomAD 0.006%). This sequence change replaces asparagine, which is neutral and polar, with aspartic acid, which is acidic and polar, at codon 454 of the SPATA7 protein (p.Asn454Asp). In summary, the available evidence is currently insufficient to determine the role of this variant in disease. Therefore, it has been classified as a Variant of Uncertain Significance. Algorithms developed to predict the effect of missense changes on protein structure and function output the following: SIFT: "Tolerated"; PolyPhen-2: "Benign"; Align-GVGD: "Class C0". The aspartic acid amino acid residue is found in multiple mammalian species, which suggests that this missense change does not adversely affect protein function.

NM_018418.5(SPATA7):c.1360A>G (p.Asn454Asp)

Gene: SPATA7 (spermatogenesis associated 7; plus strand). Cytogenetic location: 14q31.3.
Variant type: single nucleotide variant.
Coding change: c.1360A>G on transcript NM_018418.5 (MANE Select); coding-DNA position 1360, A replaced by G.
Protein change: p.Asn454Asp; replaces asparagine 454 with aspartic acid.
Molecular consequence: missense variant.
Genome position (GRCh38, 1-based): chr14:88,437,982, A>G. VCF-style: chr14-88437982-A-G. GRCh37 (hg19) VCF-style: chr14-88904326-A-G.
Other names: c.1264A>G, p.Asn422Asp (NM_001040428.4); short protein forms N422D, N454D.
Identifiers: ClinVar variation 2163618 (VCV002163618.4), dbSNP rs754734927, ClinGen allele CA7298798.
Genomic context (GRCh38, chr14:88,437,982, plus strand): 5'-GATATGTTGAATGTATTTGATTTTGAAAAGGCTGGGAATTCAGAACCAAATGAATTAAAA[A>G]ATGAAAGTGAAGTAACAATTCAGCAGGAACGTCAACAATACCAAAAGGCTTTGGATATGT-3'
Protein context (NP_060888.2, residues 444-464): AGNSEPNELK[Asn454Asp]ESEVTIQQER